The following is an entry in ClinVar:

NM_015272.5(RPGRIP1L):c.3325A>C (p.Ser1109Arg)

Gene: RPGRIP1L (RPGRIP1 like; minus strand). Cytogenetic location: 16q12.2.
Variant type: single nucleotide variant.
Coding change: c.3325A>C on transcript NM_015272.5 (MANE Select); coding-DNA position 3325, A replaced by C.
Protein change: p.Ser1109Arg; replaces serine 1109 with arginine.
Molecular consequence: missense variant. On other transcripts: intron variant (2).
Genome position (GRCh38, 1-based): chr16:53,622,326, T>G on the plus strand (A>C on the coding strand, the complement: RPGRIP1L is on the minus strand). VCF-style: chr16-53622326-T-G. GRCh37 (hg19) VCF-style: chr16-53656238-T-G.
Other names: c.3223A>C, p.Ser1075Arg (NM_001330538.2); c.3193-3118A>C (NM_001127897.4); c.3295-3118A>C (NM_001308334.3); short protein forms S1075R, S1109R.
Identifiers: ClinVar variation 4999729 (VCV004999729.1).

ClinVar aggregate classification (germline): Uncertain significance (1 of 4 stars; one submission).

Conditions:
RPGRIP1L-related disorder. Also called: RPGRIP1L-related disorders; RPGRIP1L-related condition. Identifiers: MedGen CN239416.

Submission:

PreventionGenetics, part of Exact Sciences
Classification: Uncertain significance for RPGRIP1L-related condition. Last evaluated: 2024-11-27. Review status: criteria provided, single submitter. Criteria: ACMG Guidelines, 2015. Collection method: clinical testing. Allele origin: germline.
Comment: The RPGRIP1L c.3325A>C variant is predicted to result in the amino acid substitution p.Ser1109Arg. To our knowledge, this variant has not been reported in the literature or in a large population database (gnomAD), indicating this variant is rare. At this time, the clinical significance of this variant is uncertain due to the absence of conclusive functional and genetic evidence.